The following is an entry in ClinVar:

ClinVar aggregate classification (germline): Conflicting classifications of pathogenicity. Review status: criteria provided, conflicting classifications (1 of 4 stars). 2 submissions from 2 submitters: Uncertain significance (1); Benign (1). Last evaluated 2016-01-20.

Conditions:
Neonatal insulin-dependent diabetes mellitus. Identifiers: MedGen C3278636, HP:0000857.

Allele frequency attached by ClinVar (database versions not stated): gnomAD 0.00001; gnomAD exomes 0.00002; TOPMed 0.00003.

Submissions (2):

Genetic Services Laboratory, University of Chicago
Classification: Uncertain significance. Last evaluated: 2016-01-20. Review status: criteria provided, single submitter. Criteria: ACMG Guidelines, 2015. Collection method: clinical testing. Allele origin: germline. Affected: no.

Clinical Genomics, Uppaluri K&H Personalized Medicine Clinic
Classification: Benign for Neonatal insulin-dependent diabetes mellitus. Review status: criteria provided, single submitter. Criteria: K & H Uppaluri Personalized Medicine Clinic Variant Classification & Assertion Criteria_Updated V.1. Collection method: research. Allele origin: unknown.
Comment: Mutations in INS gene can cause early onset diabetes mellitus which is insulin dependent. May have poor response to sulfonylureas, as this mutation can cause beta cell destruction. However no sufficient evidence is found to ascertain the role of this particular variant rs1051986248, yet.

Literature cited by the submitters: PubMed 11921414 (cited by Clinical Genomics, Uppaluri K&H Personalized Medicine Clinic); PubMed 25542748 (cited by Clinical Genomics, Uppaluri K&H Personalized Medicine Clinic); PubMed 26101329 (cited by Clinical Genomics, Uppaluri K&H Personalized Medicine Clinic); PubMed 18171712 (cited by Clinical Genomics, Uppaluri K&H Personalized Medicine Clinic).

NM_000207.3(INS):c.-18+22G>A

Genes: INS (insulin; minus strand), INS-IGF2 (INS-IGF2 readthrough; minus strand). Cytogenetic location: 11p15.5.
Variant type: single nucleotide variant.
Coding change: c.-18+22G>A on transcript NM_000207.3 (MANE Select); 22 bases into the intron after 18 bases upstream of the start codon, G replaced by A.
Molecular consequence: intron variant. On other transcripts: 5 prime UTR variant (3).
Genome position (GRCh38, 1-based): chr11:2,161,146, C>T on the plus strand (G>A on the coding strand, the complement: INS is on the minus strand). VCF-style: chr11-2161146-C-T. GRCh37 (hg19) VCF-style: chr11-2182376-C-T.
Other names: c.-22G>A (NM_001185097.2); c.-175G>A (NM_001185098.2); c.-56G>A (NM_001291897.2); c.-18+22G>A (NM_001042376.3).
Identifiers: ClinVar variation 435505 (VCV000435505.7), dbSNP rs1051986248, ClinGen allele CA216276816.